The following is an entry in ClinVar:

NM_177433.3(MAGED2):c.1453G>T (p.Ala485Ser)

Gene: MAGED2 (MAGE family member D2; plus strand). Cytogenetic location: Xp11.21.
Variant type: single nucleotide variant.
Coding change: c.1453G>T on transcript NM_177433.3 (MANE Select); coding-DNA position 1453, G replaced by T.
Protein change: p.Ala485Ser; replaces alanine 485 with serine.
Molecular consequence: missense variant.
Genome position (GRCh38, 1-based): chrX:54,815,314, G>T. VCF-style: chrX-54815314-G-T. GRCh37 (hg19) VCF-style: chrX-54841747-G-T.
Other names: c.1453G>T, p.Ala485Ser (NM_014599.6, NM_201222.3); short protein forms A485S.
Identifiers: ClinVar variation 2042271 (VCV002042271.4), dbSNP rs757951021, ClinGen allele CA10426894.

ClinVar aggregate classification (germline): Uncertain significance (1 of 4 stars; one submission).

Allele frequency attached by ClinVar (database versions not stated): ExAC 0.00001; TOPMed 0.00001; gnomAD 0.00003.

Submission:

Labcorp Genetics (formerly Invitae), Labcorp
Classification: Uncertain significance. Last evaluated: 2022-07-26. Review status: criteria provided, single submitter. Criteria: Invitae Variant Classification Sherloc (09022015). Collection method: clinical testing. Allele origin: germline.
Comment: Algorithms developed to predict the effect of missense changes on protein structure and function are either unavailable or do not agree on the potential impact of this missense change (SIFT: "Deleterious"; PolyPhen-2: "Possibly Damaging"; Align-GVGD: "Class C0"). This variant has not been reported in the literature in individuals affected with MAGED2-related conditions. This variant is present in population databases (rs757951021, gnomAD 0.006%), including at least one homozygous and/or hemizygous individual. This sequence change replaces alanine, which is neutral and non-polar, with serine, which is neutral and polar, at codon 485 of the MAGED2 protein (p.Ala485Ser). In summary, the available evidence is currently insufficient to determine the role of this variant in disease. Therefore, it has been classified as a Variant of Uncertain Significance.